The following is an entry in ClinVar:

NM_001099274.3(TINF2):c.815G>A (p.Trp272Ter)

Gene: TINF2 (TERF1 interacting nuclear factor 2; minus strand). Cytogenetic location: 14q12.
Variant type: single nucleotide variant.
Coding change: c.815G>A on transcript NM_001099274.3 (MANE Select); coding-DNA position 815, G replaced by A.
Protein change: p.Trp272Ter; replaces tryptophan 272 with a stop codon.
Molecular consequence: nonsense.
Genome position (GRCh38, 1-based): chr14:24,240,665, C>T on the plus strand (G>A on the coding strand, the complement: TINF2 is on the minus strand). VCF-style: chr14-24240665-C-T. GRCh37 (hg19) VCF-style: chr14-24709871-C-T.
Other names: c.710G>A, p.Trp237Ter (NM_001363668.2); c.815G>A, p.Trp272Ter (NM_012461.3); short protein forms W272*, W237*.
Identifiers: ClinVar variation 1762219 (VCV001762219.2), dbSNP rs2502456306, ClinGen allele CA389225968.

ClinVar aggregate classification (germline): Pathogenic (1 of 4 stars; one submission).

Conditions:
Dyskeratosis congenita. Identifiers: Orphanet 1775, MedGen C0265965, MONDO:0015780.

Submission:

Ambry Genetics
Classification: Pathogenic for Dyskeratosis congenita. Last evaluated: 2020-07-27. Review status: criteria provided, single submitter. Criteria: Ambry Variant Classification Scheme 2023. Collection method: clinical testing. Allele origin: germline.
Comment: The p.W272* pathogenic mutation (also known as c.815G>A), located in coding exon 6 of the TINF2 gene, results from a G to A substitution at nucleotide position 815. This changes the amino acid from a tryptophan to a stop codon within coding exon 6. This alteration is expected to result in loss of function by premature protein truncation or nonsense-mediated mRNA decay. As such, this alteration is interpreted as a disease-causing mutation.